The following is an entry in ClinVar:

ClinVar aggregate classification (germline): Uncertain significance (1 of 4 stars; one submission).

Conditions:
Primary ciliary dyskinesia. Also called: Ciliary dyskinesia. Identifiers: Orphanet 244, MedGen C0008780, MONDO:0016575, HP:0012265.

Submission:

Labcorp Genetics (formerly Invitae), Labcorp
Classification: Uncertain significance for Primary ciliary dyskinesia. Last evaluated: 2025-03-18. Review status: criteria provided, single submitter. Criteria: Invitae Variant Classification Sherloc (09022015). Collection method: clinical testing. Allele origin: germline.
Comment: This sequence change falls in intron 51 of the DNAH11 gene. It does not directly change the encoded amino acid sequence of the DNAH11 protein. It affects a nucleotide within the consensus splice site. This variant is not present in population databases (gnomAD no frequency). This variant has not been reported in the literature in individuals affected with DNAH11-related conditions. Variants that disrupt the consensus splice site are a relatively common cause of aberrant splicing (PMID: 17576681, 9536098). Algorithms developed to predict the effect of sequence changes on RNA splicing suggest that this variant may disrupt the consensus splice site. In summary, the available evidence is currently insufficient to determine the role of this variant in disease. Therefore, it has been classified as a Variant of Uncertain Significance.

Literature cited by the submitters: PubMed 17576681; PubMed 9536098.

NM_001277115.2(DNAH11):c.8510+5G>A

Gene: DNAH11 (dynein axonemal heavy chain 11; plus strand). Cytogenetic location: 7p15.3.
Variant type: single nucleotide variant.
Coding change: c.8510+5G>A on transcript NM_001277115.2 (MANE Select); 5 bases into the intron after coding-DNA position 8510, G replaced by A.
Molecular consequence: intron variant.
Genome position (GRCh38, 1-based): chr7:21,745,068, G>A. VCF-style: chr7-21745068-G-A. GRCh37 (hg19) VCF-style: chr7-21784686-G-A.
Identifiers: ClinVar variation 4706859 (VCV004706859.1).